The following is an entry in ClinVar:

NM_013275.6(ANKRD11):c.825dup (p.Ser276fs)

Gene: ANKRD11 (ankyrin repeat domain 11; minus strand). Cytogenetic location: 16q24.3.
Variant type: Duplication.
Coding change: c.825dup on transcript NM_013275.6 (MANE Select); coding-DNA position 825, one base duplicated (C; older notation c.825dupC).
Protein change: p.Ser276fs; shifts the reading frame from serine 276.
Molecular consequence: frameshift variant.
Genome position (GRCh38, 1-based): chr16:89,286,106, G duplicated on the plus strand (C on the coding strand, the reverse complement: ANKRD11 is on the minus strand). VCF-style (leftmost placement, unchanged base first): chr16-89286105-A-AG. GRCh37 (hg19) VCF-style: chr16-89352513-A-AG.
Other names: c.825dup, p.Ser276fs (NM_001256182.2, NM_001256183.2); short protein forms S276fs.
Identifiers: ClinVar variation 3383383 (VCV003383383.1).

ClinVar aggregate classification (germline): Pathogenic (1 of 4 stars; one submission).

Conditions:
KBG syndrome (KBGS). Also called: ANKRD11-Related KBG Syndrome. Identifiers: Orphanet 2332, MedGen C0220687, MONDO:0007846, OMIM 148050.

Submission:

Genetics Department, Catlab
Classification: Pathogenic for KBG syndrome. Last evaluated: 2024-05-17. Review status: criteria provided, single submitter. Criteria: ACMG Guidelines, 2015. Collection method: clinical testing. Allele origin: de novo. Affected: yes. Observed: 1 variant allele.
Comment: The c.825dup variant in the ANKRD11 gene is a loss of function variant predicted to undergo nonsense mediated decay and loss of function variants have been described as a causing mechanism for the gene (PVS1). Moreover, the variant is absent from the gnomAD 4.1 database of common variants (PM2) and has not been found in the parental samples using sanger sequencing (PM6). With all the available evidence, the variant is classified as pathogenic.